The following is an entry in ClinVar:

ClinVar aggregate classification (germline): Uncertain significance (1 of 4 stars; one submission).

Submission:

Labcorp Genetics (formerly Invitae), Labcorp
Classification: Uncertain significance. Last evaluated: 2023-08-04. Review status: criteria provided, single submitter. Criteria: Invitae Variant Classification Sherloc (09022015). Collection method: clinical testing. Allele origin: germline.
Comment: In summary, the available evidence is currently insufficient to determine the role of this variant in disease. Therefore, it has been classified as a Variant of Uncertain Significance. Advanced modeling of protein sequence and biophysical properties (such as structural, functional, and spatial information, amino acid conservation, physicochemical variation, residue mobility, and thermodynamic stability) has been performed at Invitae for this missense variant, however the output from this modeling did not meet the statistical confidence thresholds required to predict the impact of this variant on NBAS protein function. ClinVar contains an entry for this variant (Variation ID: 2118078). This variant has not been reported in the literature in individuals affected with NBAS-related conditions. This variant is not present in population databases (gnomAD no frequency). This sequence change replaces leucine, which is neutral and non-polar, with histidine, which is basic and polar, at codon 271 of the NBAS protein (p.Leu271His).

NM_015909.4(NBAS):c.812T>A (p.Leu271His)

Gene: NBAS (NBAS subunit of NRZ tethering complex; minus strand). Cytogenetic location: 2p24.3.
Variant type: single nucleotide variant.
Coding change: c.812T>A on transcript NM_015909.4 (MANE Select); coding-DNA position 812, T replaced by A.
Protein change: p.Leu271His; replaces leucine 271 with histidine.
Molecular consequence: missense variant. On other transcripts: non-coding transcript variant (1).
Genome position (GRCh38, 1-based): chr2:15,511,285, A>T on the plus strand (T>A on the coding strand, the complement: NBAS is on the minus strand). VCF-style: chr2-15511285-A-T. GRCh37 (hg19) VCF-style: chr2-15651409-A-T.
Other names: short protein forms L271H.
Identifiers: ClinVar variation 2118078 (VCV002118078.4), dbSNP rs2528303601, ClinGen allele CA345898562.